The following is an entry in ClinVar:

NM_001271938.2(MEGF8):c.7758G>A (p.Val2586=)

Gene: MEGF8 (multiple EGF like domains 8; plus strand). Cytogenetic location: 19q13.2.
Variant type: single nucleotide variant.
Coding change: c.7758G>A on transcript NM_001271938.2 (MANE Select); coding-DNA position 7758, G replaced by A.
Protein change: p.Val2586=; no amino-acid change (valine 2586 retained).
Molecular consequence: synonymous variant.
Genome position (GRCh38, 1-based): chr19:42,375,995, G>A. VCF-style: chr19-42375995-G-A. GRCh37 (hg19) VCF-style: chr19-42880147-G-A.
Other names: c.7557G>A, p.Val2519= (NM_001410.3).
Identifiers: ClinVar variation 2724485 (VCV002724485.25), dbSNP rs1412954768, ClinGen allele CA507708476.

ClinVar aggregate classification (germline): Likely benign. Review status: criteria provided, multiple submitters, no conflicts (2 of 4 stars). 2 submissions from 2 submitters: Likely benign (2). Last evaluated 2025-03-31.

Conditions:
MEGF8-related Carpenter syndrome. Also called: Carpenter syndrome 2. Identifiers: Orphanet 65759, MedGen C3554247, MONDO:0013998, OMIM 614976.

Allele frequency attached by ClinVar (database versions not stated): gnomAD exomes below 0.00001.
gnomAD v4.1: 1 of 1,607,080 alleles (0.000062%); highest among the groups gnomAD compares: Non-Finnish European, 0.000085%; no homozygotes.

Submissions (2):

Labcorp Genetics (formerly Invitae), Labcorp
Classification: Likely benign for MEGF8-related Carpenter syndrome. Last evaluated: 2025-03-31. Review status: criteria provided, single submitter. Criteria: Invitae Variant Classification Sherloc (09022015). Collection method: clinical testing. Allele origin: germline.

CeGaT Center for Human Genetics Tuebingen
Classification: Likely benign. Last evaluated: 2024-02-01. Review status: criteria provided, single submitter. Criteria: CeGaT Center For Human Genetics Tuebingen Variant Classification Criteria Version 2. Collection method: clinical testing. Allele origin: germline. Affected: yes. Observed: 1 variant allele.
Comment: MEGF8: BP4, BP7